The following is an entry in ClinVar:

NM_006662.3(SRCAP):c.6877GAG[1] (p.Glu2294del)

Gene: SRCAP (Snf2 related CREBBP activator protein; plus strand). Cytogenetic location: 16p11.2.
Variant type: Microsatellite.
Coding change: c.6877GAG[1] on transcript NM_006662.3 (MANE Select); one copy of the 3-base unit GAG starting at c.6877; the reference has two copies in a row; one copy, 3 bases deleted.
Protein change: p.Glu2294del; deletes glutamic acid 2294.
Genome position (GRCh38, 1-based): chr16:30,736,350-30,736,352, GAG deleted; deleting any 3 consecutive bases within chr16:30,736,347-30,736,352 gives the same sequence; the position shown is the placement nearest the transcript's 3' end. VCF-style (leftmost placement, unchanged base first): chr16-30736346-TGAG-T. GRCh37 (hg19) VCF-style: chr16-30747667-TGAG-T.
Other names: short protein forms E2294del.
Identifiers: ClinVar variation 3900955 (VCV003900955.1).

ClinVar aggregate classification (germline): Uncertain significance (1 of 4 stars; one submission).

Submission:

GeneDx
Classification: Uncertain significance. Last evaluated: 2024-11-30. Review status: criteria provided, single submitter. Criteria: GeneDx Variant Classification Process June 2021. Collection method: clinical testing. Allele origin: germline. Affected: yes.
Comment: Not observed at significant frequency in large population cohorts (gnomAD); In-frame deletion of 1 amino acid(s) in a non-repeat region; In silico analysis supports a deleterious effect on protein structure/function; Has not been previously published as pathogenic or benign to our knowledge